The following is an entry in ClinVar:

NM_006493.4(CLN5):c.340-1del

Gene: CLN5 (CLN5 lysosomal BMP synthase; plus strand). Cytogenetic location: 13q22.3.
Variant type: Deletion.
Coding change: c.340-1del on transcript NM_006493.4 (MANE Select); the canonical splice acceptor site of the intron before coding-DNA position 340, one base deleted (G; older notation c.340-1delG).
Molecular consequence: splice acceptor variant.
Genome position (GRCh38, 1-based): chr13:76,995,901, G deleted. VCF-style (leftmost placement, unchanged base first): chr13-76995900-AG-A. GRCh37 (hg19) VCF-style: chr13-77570035-AG-A.
Other names: c.340-1del (NM_001366624.2).
Identifiers: ClinVar variation 370310 (VCV000370310.6), dbSNP rs1057516390, ClinGen allele CA16041687.

ClinVar aggregate classification (germline): Likely pathogenic. Review status: criteria provided, single submitter (1 of 4 stars). 2 submissions from 2 submitters: Likely pathogenic (1). 1 of the submissions does not count toward it. Last evaluated 2023-08-30.

Conditions:
Neuronal ceroid lipofuscinosis 5 (CLN5). Also called: CEROID LIPOFUSCINOSIS, NEURONAL, 5, VARIABLE AGE AT ONSET; Neuronal ceroid lipofuscinosis Finnish variant; NEURONAL CEROID LIPOFUSCINOSIS, LATE INFANTILE, FINNISH VARIANT; CLN5-Related Neuronal Ceroid-Lipofuscinosis. Identifiers: Orphanet 168491, Orphanet 228360, MedGen C1850442, MONDO:0009745, OMIM 256731.
Neuronal ceroid lipofuscinosis. Also called: Neuronal Ceroid Lipofuscinoses. Identifiers: Orphanet 216, Orphanet 79263, MedGen C0027877, MONDO:0016295. Disease mechanism: loss of function.

Submissions (2):

Labcorp Genetics (formerly Invitae), Labcorp
Classification: Likely pathogenic for Neuronal ceroid lipofuscinosis. Last evaluated: 2023-08-30. Review status: criteria provided, single submitter. Criteria: Invitae Variant Classification Sherloc (09022015). Collection method: clinical testing. Allele origin: germline.
Comment: This variant has not been reported in the literature in individuals affected with CLN5-related conditions. This variant is not present in population databases (gnomAD no frequency). This sequence change affects a splice site in intron 2 of the CLN5 gene. It is expected to disrupt RNA splicing. Variants that disrupt the donor or acceptor splice site typically lead to a loss of protein function (PMID: 16199547), and loss-of-function variants in CLN5 are known to be pathogenic (PMID: 20157158). ClinVar contains an entry for this variant (Variation ID: 370310). In summary, the currently available evidence indicates that the variant is pathogenic, but additional data are needed to prove that conclusively. Therefore, this variant has been classified as Likely Pathogenic. Algorithms developed to predict the effect of sequence changes on RNA splicing suggest that this variant may disrupt the consensus splice site.

Counsyl
Classification: Likely pathogenic for Neuronal ceroid lipofuscinosis 5. Last evaluated: 2016-01-07. Review status: no assertion criteria provided. Collection method: clinical testing. Allele origin: unknown. Not counted in ClinVar's aggregate classification.

Literature cited by the submitters: PubMed 16199547 (cited by Labcorp Genetics (formerly Invitae), Labcorp); PubMed 20157158 (cited by Labcorp Genetics (formerly Invitae), Labcorp).